The following is an entry in ClinVar:

ClinVar aggregate classification (germline): Likely pathogenic (1 of 4 stars; one submission).

Submission:

GeneDx
Classification: Likely pathogenic. Last evaluated: 2016-05-09. Review status: criteria provided, single submitter. Criteria: GeneDx Variant Classification (06012015). Collection method: clinical testing. Allele origin: germline. Affected: yes.
Comment: The L351F pathogenic variant in the STAT1 gene has been reported previously in two unrelated individuals affected with dominant chronic mucocutanous candidiasis representing a complex immunodeficiency (Dotta et al., 2016). Furthermore, patient lymphocytes displayed increased phosphorylation of STAT1 and in vitro assay supported L351F as a gain of function variant (Dotta et al., 2016). The L351F variant was not observed in approximately 6450 individuals of European and African American ancestry in the NHLBI Exome Sequencing Project, indicating it is not a common benign variant in these populations. The L351F variant is a conservative amino acid substitution, which is not likely to impact secondary protein structure as these residues share similar properties. This substitution occurs at a position where amino acids with similar properties to Leucine are tolerated across species. In silico analysis predicts this variant is probably damaging to the protein structure/function. The L351F variant is a strong candidate for a pathogenic variant, however the possibility it may be a rare benign variant cannot be excluded.

NM_007315.4(STAT1):c.1053G>T (p.Leu351Phe)

Gene: STAT1 (signal transducer and activator of transcription 1; minus strand). Cytogenetic location: 2q32.2.
Variant type: single nucleotide variant.
Coding change: c.1053G>T on transcript NM_007315.4 (MANE Select); coding-DNA position 1053, G replaced by T.
Protein change: p.Leu351Phe; replaces leucine 351 with phenylalanine.
Molecular consequence: missense variant. On other transcripts: intron variant (1).
Genome position (GRCh38, 1-based): chr2:190,989,659, C>A on the plus strand (G>T on the coding strand, the complement: STAT1 is on the minus strand). VCF-style: chr2-190989659-C-A. GRCh37 (hg19) VCF-style: chr2-191854385-C-A.
Other names: c.1059G>T, p.Leu353Phe (NM_001384881.1, NM_001384884.1); c.1053G>T, p.Leu351Phe (NM_001384882.1, NM_001384886.1, NM_001384888.1 and 2 more transcripts); c.954G>T, p.Leu318Phe (NM_001384883.1); c.894G>T, p.Leu298Phe (NM_001384885.1); c.960G>T, p.Leu320Phe (NM_001384887.1); c.963G>T, p.Leu321Phe (NM_001384890.1); c.1089G>T, p.Leu363Phe (NM_001384891.1); c.1037+1569G>T (NM_001384880.1); short protein forms L351F, L298F, L318F, L320F, L321F, L353F, L363F.
Identifiers: ClinVar variation 421168 (VCV000421168.2), dbSNP rs1064794955, ClinGen allele CA16617404.